The following is an entry in ClinVar:

NM_001267550.2(TTN):c.100235C>A (p.Ala33412Asp)

Genes: TTN (titin; minus strand), TTN-AS1 (TTN antisense RNA 1; plus strand), LOC126806420 (BRD4-independent group 4 enhancer GRCh37_chr2:179401104-179402303; plus strand). Cytogenetic location: 2q31.2.
Variant type: single nucleotide variant.
Coding change: c.100235C>A on transcript NM_001267550.2 (MANE Select); coding-DNA position 100235, C replaced by A.
Protein change: p.Ala33412Asp; replaces alanine 33412 with aspartic acid.
Molecular consequence: missense variant.
Genome position (GRCh38, 1-based): chr2:178,536,512, G>T on the plus strand (C>A on the coding strand, the complement: TTN is on the minus strand). VCF-style: chr2-178536512-G-T. GRCh37 (hg19) VCF-style: chr2-179401239-G-T.
Other names: c.95312C>A, p.Ala31771Asp (NM_001256850.1); c.73040C>A, p.Ala24347Asp (NM_003319.4); c.92531C>A, p.Ala30844Asp (NM_133378.4); c.73415C>A, p.Ala24472Asp (NM_133432.3); c.73616C>A, p.Ala24539Asp (NM_133437.4); short protein forms A24347D, A24472D, A24539D, A30844D, A31771D, A33412D.
Identifiers: ClinVar variation 1690814 (VCV001690814.2), dbSNP rs2154137524, ClinGen allele CA349426470.

ClinVar aggregate classification (germline): Likely benign (1 of 4 stars; one submission).

Submission:

Laboratorio de Genetica e Diagnostico Molecular, Hospital Israelita Albert Einstein
Classification: Likely benign. Last evaluated: 2020-02-19. Review status: criteria provided, single submitter. Criteria: ACMG Guidelines, 2015. Collection method: clinical testing. Allele origin: germline. Affected: yes.
Comment: ACMG classification criteria: PM2, BP1, BP4